The following is an entry in ClinVar:

NM_001852.4(COL9A2):c.847-10C>T

Gene: COL9A2 (collagen type IX alpha 2 chain; minus strand). Cytogenetic location: 1p34.2.
Variant type: single nucleotide variant.
Coding change: c.847-10C>T on transcript NM_001852.4 (MANE Select); 10 bases into the intron before coding-DNA position 847, C replaced by T.
Molecular consequence: intron variant.
Genome position (GRCh38, 1-based): chr1:40,308,255, G>A on the plus strand (C>T on the coding strand, the complement: COL9A2 is on the minus strand). VCF-style: chr1-40308255-G-A. GRCh37 (hg19) VCF-style: chr1-40773927-G-A.
Identifiers: ClinVar variation 518031 (VCV000518031.12), dbSNP rs766358117, ClinGen allele CA791708.
Genomic context (GRCh38, chr1:40,308,255, plus strand): 5'-TGCTCCTTTCGGGCCTGTGATCCCCTGGGGTCCACGAATACCTGGGCTGCCCTGCAAAGC[G>A]GAGAGAGATCAGGTCACCCTCAGGATGTTGGGCCCCTGTCTGGCTGTGCAGAGAGGGGAA-3'

ClinVar aggregate classification (germline): Likely benign. Review status: criteria provided, multiple submitters, no conflicts (2 of 4 stars). 4 submissions from 4 submitters: Likely benign (4). Last evaluated 2025-06-02.

Allele frequency attached by ClinVar (database versions not stated): TOPMed below 0.00001; gnomAD 0.00001; gnomAD exomes 0.00001 and 0.00003; ExAC 0.00006.
gnomAD v4.1: 20 of 1,613,452 alleles (0.0012%); highest among the groups gnomAD compares: East Asian, 0.0022%; no homozygotes.

Submissions (4):

Women's Health and Genetics/Laboratory Corporation of America, LabCorp
Classification: Likely benign. Last evaluated: 2025-06-02. Review status: criteria provided, single submitter. Criteria: LabCorp Variant Classification Summary - May 2015. Collection method: clinical testing. Allele origin: germline.

Blueprint Genetics
Classification: Likely benign. Last evaluated: 2024-05-30. Review status: criteria provided, single submitter. Criteria: ACMG Guidelines, 2015. Collection method: clinical testing. Allele origin: germline.

Labcorp Genetics (formerly Invitae), Labcorp
Classification: Likely benign. Last evaluated: 2023-12-30. Review status: criteria provided, single submitter. Criteria: Invitae Variant Classification Sherloc (09022015). Collection method: clinical testing. Allele origin: germline.

GeneDx
Classification: Likely benign. Last evaluated: 2017-06-19. Review status: criteria provided, single submitter. Criteria: GeneDx Variant Classification (06012015). Collection method: clinical testing. Allele origin: germline. Affected: yes.
Comment: This variant is considered likely benign or benign based on one or more of the following criteria: it is a conservative change, it occurs at a poorly conserved position in the protein, it is predicted to be benign by multiple in silico algorithms, and/or has population frequency not consistent with disease.